The following is an entry in ClinVar:

NM_018127.7(ELAC2):c.2000C>T (p.Thr667Ile)

Gene: ELAC2 (elaC ribonuclease Z 2; minus strand). Cytogenetic location: 17p12.
Variant type: single nucleotide variant.
Coding change: c.2000C>T on transcript NM_018127.7 (MANE Select); coding-DNA position 2000, C replaced by T.
Protein change: p.Thr667Ile; replaces threonine 667 with isoleucine.
Molecular consequence: missense variant.
Genome position (GRCh38, 1-based): chr17:12,994,793, G>A on the plus strand (C>T on the coding strand, the complement: ELAC2 is on the minus strand). VCF-style: chr17-12994793-G-A. GRCh37 (hg19) VCF-style: chr17-12898110-G-A.
Other names: c.1880C>T, p.Thr627Ile (NM_001165962.2); c.1997C>T, p.Thr666Ile (NM_173717.2); c.2000C>T (NM_018127.6); short protein forms T666I, T667I, T627I.
Identifiers: ClinVar variation 1372105 (VCV001372105.9), dbSNP rs961586097, ClinGen allele CA288076443.

ClinVar aggregate classification (germline): Uncertain significance. Review status: criteria provided, multiple submitters, no conflicts (2 of 4 stars). 2 submissions from 2 submitters: Uncertain significance (2). Last evaluated 2023-05-31.

Conditions:
Combined oxidative phosphorylation defect type 17. Also called: Combined oxidative phosphorylation deficiency 17. Identifiers: Orphanet 369913, MedGen C3809526, MONDO:0014190, OMIM 615440.
Inborn genetic diseases. Identifiers: MedGen C0950123, MeSH D030342.

Submissions (2):

Ambry Genetics
Classification: Uncertain significance for Inborn genetic diseases. Last evaluated: 2023-05-31. Review status: criteria provided, single submitter. Criteria: Ambry Variant Classification Scheme 2023. Collection method: clinical testing. Allele origin: germline.

Labcorp Genetics (formerly Invitae), Labcorp
Classification: Uncertain significance for Combined oxidative phosphorylation defect type 17. Last evaluated: 2022-02-09. Review status: criteria provided, single submitter. Criteria: Invitae Variant Classification Sherloc (09022015). Collection method: clinical testing. Allele origin: germline.
Comment: In summary, the available evidence is currently insufficient to determine the role of this variant in disease. Therefore, it has been classified as a Variant of Uncertain Significance. Algorithms developed to predict the effect of missense changes on protein structure and function (SIFT, PolyPhen-2, Align-GVGD) all suggest that this variant is likely to be disruptive. This variant has not been reported in the literature in individuals affected with ELAC2-related conditions. This variant is not present in population databases (gnomAD no frequency). This sequence change replaces threonine, which is neutral and polar, with isoleucine, which is neutral and non-polar, at codon 667 of the ELAC2 protein (p.Thr667Ile).